The following is an entry in ClinVar:

ClinVar aggregate classification (germline): Uncertain significance. Review status: criteria provided, multiple submitters, no conflicts (2 of 4 stars). 2 submissions from 2 submitters: Uncertain significance (2). Last evaluated 2023-07-08.

Conditions:
Isolated microphthalmia 5. Also called: Posterior Microphthalmia with Retinitis Pigmentosa, Foveoschisis, and Optic Disc Drusen. Identifiers: Orphanet 251279, MedGen C1970236, MONDO:0012605, OMIM 611040.

Allele frequency attached by ClinVar (database versions not stated): ExAC 0.00003; gnomAD exomes 0.00001; TOPMed 0.00001.
gnomAD v4.1: 3 of 1,601,668 alleles (0.00019%); highest among the groups gnomAD compares: Admixed American, 0.0017%; no homozygotes.

Submissions (2):

Labcorp Genetics (formerly Invitae), Labcorp
Classification: Uncertain significance for Isolated microphthalmia 5. Last evaluated: 2023-07-08. Review status: criteria provided, single submitter. Criteria: Invitae Variant Classification Sherloc (09022015). Collection method: clinical testing. Allele origin: germline.
Comment: This sequence change replaces arginine, which is basic and polar, with serine, which is neutral and polar, at codon 375 of the MFRP protein (p.Arg375Ser). The frequency data for this variant in the population databases is considered unreliable, as metrics indicate poor data quality at this position in the gnomAD database. This missense change has been observed in individual(s) with autosomal recessive MAB21L1-related aniridia (Invitae). ClinVar contains an entry for this variant (Variation ID: 1007291). An algorithm developed to predict the effect of missense changes on protein structure and function (PolyPhen-2) suggests that this variant is likely to be disruptive. Algorithms developed to predict the effect of sequence changes on RNA splicing suggest that this variant may disrupt the consensus splice site. In summary, the available evidence is currently insufficient to determine the role of this variant in disease. Therefore, it has been classified as a Variant of Uncertain Significance.

Blueprint Genetics
Classification: Uncertain significance. Last evaluated: 2022-02-04. Review status: criteria provided, single submitter. Criteria: ACMG Guidelines, 2015. Collection method: clinical testing. Allele origin: germline.

NM_031433.4(MFRP):c.1125G>T (p.Arg375Ser)

Genes: C1QTNF5 (C1q and TNF related 5; minus strand), MFRP (membrane frizzled-related protein; minus strand). Cytogenetic location: 11q23.3.
Variant type: single nucleotide variant.
Coding change: c.1125G>T on transcript NM_031433.4 (MANE Select); coding-DNA position 1125, G replaced by T.
Protein change: p.Arg375Ser; replaces arginine 375 with serine.
Molecular consequence: missense variant. On other transcripts: 5 prime UTR variant (1).
Genome position (GRCh38, 1-based): chr11:119,343,003, C>A on the plus strand (G>T on the coding strand, the complement: MFRP is on the minus strand). VCF-style: chr11-119343003-C-A. GRCh37 (hg19) VCF-style: chr11-119213713-C-A.
Other names: c.-1512G>T (NM_015645.5); short protein forms R375S.
Identifiers: ClinVar variation 1007291 (VCV001007291.9), dbSNP rs780870624, ClinGen allele CA6320230.